The following is an entry in ClinVar:

NM_001206927.2(DNAH8):c.12655C>T (p.Arg4219Ter)

Gene: DNAH8 (dynein axonemal heavy chain 8; plus strand). Cytogenetic location: 6p21.2.
Variant type: single nucleotide variant.
Coding change: c.12655C>T on transcript NM_001206927.2 (MANE Select); coding-DNA position 12655, C replaced by T.
Protein change: p.Arg4219Ter; replaces arginine 4219 with a stop codon.
Molecular consequence: nonsense.
Genome position (GRCh38, 1-based): chr6:38,973,790, C>T. VCF-style: chr6-38973790-C-T. GRCh37 (hg19) VCF-style: chr6-38941566-C-T.
Other names: c.12004C>T, p.Arg4002Ter (NM_001371.4); short protein forms R4002*, R4219*.
Identifiers: ClinVar variation 4850348 (VCV004850348.1).

ClinVar aggregate classification (germline): Likely pathogenic (1 of 4 stars; one submission).

Conditions:
Spermatogenic failure 46. Identifiers: MedGen C5436799, MONDO:0033673, OMIM 619095.

gnomAD v4.1: 2 of 1,604,898 alleles (0.00012%); highest among the groups gnomAD compares: Non-Finnish European, 0.00017%; no homozygotes.

Submission:

First Genomix Gene Laboratory, Genetic Diagnostics Department
Classification: Likely pathogenic for Spermatogenic failure 46. Last evaluated: 2025-09-17. Review status: criteria provided, single submitter. Criteria: ACMG Guidelines, 2015. Collection method: clinical testing. Allele origin: germline. Inheritance: Autosomal recessive inheritance. Affected: no. Observed: 1 variant allele.